The following is an entry in ClinVar:

NM_201378.4(PLEC):c.71-11519C>T

Gene: PLEC (plectin; minus strand). Cytogenetic location: 8q24.3.
Variant type: single nucleotide variant.
Coding change: c.71-11519C>T on transcript NM_201378.4 (MANE Plus Clinical); 11519 bases into the intron before coding-DNA position 71, C replaced by T.
Molecular consequence: intron variant. On other transcripts: missense variant (1).
Genome position (GRCh38, 1-based): chr8:143,950,211, G>A on the plus strand (C>T on the coding strand, the complement: PLEC is on the minus strand). VCF-style: chr8-143950211-G-A. GRCh37 (hg19) VCF-style: chr8-145024379-G-A.
Other names: c.496C>T (NM_201380.3); c.496C>T, p.Pro166Ser (NM_201380.4); c.194-11519C>T (NM_001410941.1, NM_000445.5); c.46+3515C>T (NM_201379.3); short protein forms P166S.
Identifiers: ClinVar variation 3892111 (VCV003892111.3).
Genomic context (GRCh38, chr8:143,950,211, plus strand): 5'-CCCATCATGACTTGGGGTCAGGGTGCAGCTGACCTGTGGCTGGGGCAGGCTCCGGGCCTG[G>A]CCTGGCCAGGGTCCGCTGGGTGGTAGCAGGCACCACAGGGGTCTCAGGTGACACCTCCTC-3'

ClinVar aggregate classification (germline): Conflicting classifications of pathogenicity. Review status: criteria provided, conflicting classifications (1 of 4 stars). 3 submissions from 3 submitters: Uncertain significance (2); Likely benign (1). Last evaluated 2026-08-03.

Conditions:
Epidermolysis bullosa simplex with nail dystrophy (EBS5D). Identifiers: MedGen C4225309, MONDO:0014661, OMIM 616487.
Epidermolysis bullosa simplex, Ogna type (EBS5A). Also called: Pidermolysis bullosa simplex 5A, Ogna type; EPIDERMOLYSIS BULLOSA SIMPLEX 5A, OGNA TYPE. Identifiers: Orphanet 79401, MedGen C0432317, MONDO:0007555, OMIM 131950.
Autosomal recessive limb-girdle muscular dystrophy type 2Q (LGMDR17). Also called: MUSCULAR DYSTROPHY, LIMB-GIRDLE, AUTOSOMAL RECESSIVE 17. Identifiers: Orphanet 254361, MedGen C3150989, MONDO:0013390, OMIM 613723.
Epidermolysis bullosa simplex 5B, with muscular dystrophy (EBS5B). Also called: EPIDERMOLYSIS BULLOSA SIMPLEX AND LIMB-GIRDLE MUSCULAR DYSTROPHY; Epidermolysis bullosa simplex with muscular dystrophy. Identifiers: Orphanet 257, MedGen C2931072, MONDO:0009181, OMIM 226670.
Epidermolysis bullosa simplex 5C, with pyloric atresia (EBS5C). Also called: PLEC-Related Epidermolysis Bullosa with Pyloric Atresia; Epidermolysis bullosa simplex with pyloric atresia; PLEC1-Related Epidermolysis Bullosa with Pyloric Atresia. Identifiers: Orphanet 158684, MedGen C2677349, MONDO:0012807, OMIM 612138.
Junctional epidermolysis bullosa with pyloric atresia. Also called: EPIDERMOLYSIS BULLOSA, JUNCTIONAL 5B, WITH PYLORIC ATRESIA; APLASIA CUTIS CONGENITA WITH GASTROINTESTINAL ATRESIA; CARMI SYNDROME; EB-PA-ACC; ITGB4-Related Epidermolysis Bullosa with Pyloric Atresia; Junctional Epidermolysis Bullosa- Pyloric Atresia Syndrome. Identifiers: Orphanet 79403, MedGen C5676875, MONDO:0009183, OMIM 226730.
PLEC-related disorder. Also called: PLEC-related condition; PLEC-related disorders.

Submissions (3):

PreventionGenetics, part of Exact Sciences
Classification: Uncertain significance for PLEC-related condition. Last evaluated: 2026-08-03. Review status: criteria provided, single submitter. Criteria: ACMG Guidelines, 2015. Collection method: clinical testing. Allele origin: germline.
Comment: The PLEC c.496C>T variant is predicted to result in the amino acid substitution p.Pro166Ser. To our knowledge, this variant has not been reported in the literature. This variant is reported in 0.10% of alleles in individuals of Ashkenazi Jewish descent in gnomAD. Although we suspect that this variant may be benign, at this time, the clinical significance of this variant is uncertain due to the absence of conclusive functional and genetic evidence.

Blueprint Genetics
Classification: Likely benign. Last evaluated: 2024-06-17. Review status: criteria provided, single submitter. Criteria: ACMG Guidelines, 2015. Collection method: clinical testing. Allele origin: germline.

Department of Pathology and Laboratory Medicine, Sinai Health System
Classification: Uncertain significance for Epidermolysis bullosa simplex, Ogna type; Epidermolysis bullosa simplex 5B, with muscular dystrophy; Junctional epidermolysis bullosa with pyloric atresia; Epidermolysis bullosa simplex 5C, with pyloric atresia; Autosomal recessive limb-girdle muscular dystrophy type 2Q; Epidermolysis bullosa simplex with nail dystrophy. Last evaluated: 2022-02-04. Review status: criteria provided, single submitter. Criteria: ACMG Guidelines, 2015. Collection method: research. Allele origin: germline.